The following is an entry in ClinVar:

NC_000009.11:g.(?_137591735)_(137646192_?)dup

Gene: COL5A1 (collagen type V alpha 1 chain; plus strand). Cytogenetic location: 9q34.3.
Variant type: Duplication.
Identifiers: ClinVar variation 3245111 (VCV003245111.1).

ClinVar aggregate classification (germline): Pathogenic (1 of 4 stars; one submission).

Conditions:
Ehlers-Danlos syndrome, classic type, 1 (EDSCL1). Also called: EHLERS-DANLOS SYNDROME, GRAVIS TYPE; EHLERS-DANLOS SYNDROME, SEVERE CLASSIC TYPE; Ehlers-Danlos syndrome, type 1; Ehlers-Danlos Syndrome, Classic Type, COL5A1-Related; EDS I. Identifiers: MedGen C0268335, MONDO:0019567, OMIM 130000.

Submission:

Labcorp Genetics (formerly Invitae), Labcorp
Classification: Pathogenic for Ehlers-Danlos syndrome, classic type, 1. Last evaluated: 2022-12-27. Review status: criteria provided, single submitter. Criteria: Invitae Variant Classification Sherloc (09022015). Collection method: clinical testing. Allele origin: unknown.
Comment: This variant results in a copy number gain of the genomic region encompassing exon(s) 3-16 of the COL5A1 gene. While the exact position of this variant cannot be determined from the data, sub-genic copy number gains are generally in tandem (PMID: 25640679). This variant is predicted to be out-of-frame, and may result in an absent or disrupted protein product. Loss-of-function variants in COL5A1 are known to be pathogenic (PMID: 23587214). For these reasons, this variant has been classified as Pathogenic. A similar copy number variant has been observed in individual(s) with clinical features of COL5A1-related conditions (Invitae).

Literature cited by the submitters: PubMed 25640679; PubMed 23587214.